The following is an entry in ClinVar:

ClinVar aggregate classification (germline): Uncertain significance (1 of 4 stars; one submission).

Conditions:
Congenital myasthenic syndrome 14. Also called: Myasthenic syndrome, congenital, 14, with tubular aggregates. Identifiers: Orphanet 353327, Orphanet 590, MedGen C4015597, MONDO:0014543, OMIM 616228.
Congenital disorder of glycosylation, type Ii. Also called: ALG2-congenital disorder of glycosylation; ALG2-CDG; CDG Ii. Identifiers: Orphanet 79326, MedGen C1842836, MONDO:0011933, OMIM 607906.

Allele frequency attached by ClinVar (database versions not stated): gnomAD 0.00001; gnomAD exomes 0.00001 and below 0.00001; TOPMed below 0.00001.

Submission:

Labcorp Genetics (formerly Invitae), Labcorp
Classification: Uncertain significance for Congenital disorder of glycosylation, type Ii; Congenital myasthenic syndrome 14. Last evaluated: 2022-07-12. Review status: criteria provided, single submitter. Criteria: Invitae Variant Classification Sherloc (09022015). Collection method: clinical testing. Allele origin: germline.
Comment: This sequence change replaces alanine, which is neutral and non-polar, with serine, which is neutral and polar, at codon 90 of the ALG2 protein (p.Ala90Ser). The frequency data for this variant in the population databases is considered unreliable, as metrics indicate poor data quality at this position in the gnomAD database. This variant has not been reported in the literature in individuals affected with ALG2-related conditions. ClinVar contains an entry for this variant (Variation ID: 567442). Algorithms developed to predict the effect of missense changes on protein structure and function output the following: SIFT: "Tolerated"; PolyPhen-2: "Possibly Damaging"; Align-GVGD: "Class C0". The serine amino acid residue is found in multiple mammalian species, which suggests that this missense change does not adversely affect protein function. In summary, the available evidence is currently insufficient to determine the role of this variant in disease. Therefore, it has been classified as a Variant of Uncertain Significance.

NM_033087.4(ALG2):c.268G>T (p.Ala90Ser)

Gene: ALG2 (ALG2 alpha-1,3/1,6-mannosyltransferase; minus strand). Cytogenetic location: 9q22.33.
Variant type: single nucleotide variant.
Coding change: c.268G>T on transcript NM_033087.4 (MANE Select); coding-DNA position 268, G replaced by T.
Protein change: p.Ala90Ser; replaces alanine 90 with serine.
Molecular consequence: missense variant. On other transcripts: non-coding transcript variant (1).
Genome position (GRCh38, 1-based): chr9:99,221,627, C>A on the plus strand (G>T on the coding strand, the complement: ALG2 is on the minus strand). VCF-style: chr9-99221627-C-A. GRCh37 (hg19) VCF-style: chr9-101983909-C-A.
Other names: short protein forms A90S.
Identifiers: ClinVar variation 567442 (VCV000567442.6), dbSNP rs941593352, ClinGen allele CA196855956.